The following is an entry in ClinVar:

ClinVar aggregate classification (germline): Pathogenic (1 of 4 stars; one submission).

Conditions:
Fabry disease. Also called: ALPHA-GALACTOSIDASE A DEFICIENCY; ANDERSON-FABRY DISEASE; CERAMIDE TRIHEXOSIDASE DEFICIENCY; GLA DEFICIENCY; HEREDITARY DYSTOPIC LIPIDOSIS; Angiokeratoma corporis diffusum. Identifiers: Orphanet 324, MedGen C0002986, MONDO:0010526, OMIM 301500, HP:0001071. Disease mechanism: Fabry disease is due to inactivating mutations in the X-linked GLA gene resulting in deficiency of the enzyme Alpha Galactosidase-A., loss of function.

Submission:

Genomenon, Inc
Classification: Pathogenic for Fabry disease. Last evaluated: 2026-09-08. Review status: criteria provided, single submitter. Criteria: Genomenon Sequence Variant Interpretation Standards - Updated. Collection method: curation. Allele origin: germline. Affected: yes.
Comment: GLA p.Leu166Val (c.496C>G) is a missense variant that changes the amino acid at codon 166 from Leucine to Valine. This variant has been observed in at least one proband with clinical features consistent with Fabry disease (PMID:32843101;9105656;36140787). At least one functional study has demonstrated a substantial alteration in protein function relative to the wild-type (PMID:27657681). This variant is located in a mutational hotspot and/or important functional domain. It is absent or not present at a significant frequency in gnomAD. In silico models predict that this variant is possibly or probably damaging. In conclusion, we classify GLA p.Leu166Val (c.496C>G) as a pathogenic variant.

Literature cited by the submitters: PubMed 32843101; PubMed 9105656; PubMed 36140787; PubMed 27657681.

NM_000169.3(GLA):c.496C>G (p.Leu166Val)

Genes: GLA (galactosidase alpha; minus strand), RPL36A-HNRNPH2 (RPL36A-HNRNPH2 readthrough; plus strand). Cytogenetic location: Xq22.1.
Variant type: single nucleotide variant.
Coding change: c.496C>G on transcript NM_000169.3 (MANE Select); coding-DNA position 496, C replaced by G.
Protein change: p.Leu166Val; replaces leucine 166 with valine.
Molecular consequence: missense variant. On other transcripts: non-coding transcript variant (3), intron variant (2).
Genome position (GRCh38, 1-based): chrX:101,401,683, G>C on the plus strand (C>G on the coding strand, the complement: GLA is on the minus strand). VCF-style: chrX-101401683-G-C. GRCh37 (hg19) VCF-style: chrX-100656671-G-C.
Other names: c.619C>G, p.Leu207Val (NM_001406747.1, NM_001406749.1); c.496C>G, p.Leu166Val (NM_001406748.1); c.300+6226G>C (NM_001199973.2); c.177+9861G>C (NM_001199974.2); short protein forms L166V, L207V.
Identifiers: ClinVar variation 4087394 (VCV004087394.2).
Genomic context (GRCh38, chrX:101,401,683, plus strand): 5'-AAACATTACCATCTGCCAAATTTTCCAAACTGTCACAGTAACAACCATCAAATTTTAGCA[G>C]ATCTACTCCCCAGTCAGCAAAGGTCTGGGCATCAATGTCGTAGTATCCAAAACTCCCAGG-3'
Protein context (NP_000160.1, residues 156-176): AQTFADWGVD[Leu166Val]LKFDGCYCDS